The following is an entry in ClinVar:

NM_024312.5(GNPTAB):c.1017_1020dup (p.Pro341fs)

Gene: GNPTAB (N-acetylglucosamine-1-phosphate transferase subunits alpha and beta; minus strand). Cytogenetic location: 12q23.2.
Variant type: Duplication.
Coding change: c.1017_1020dup on transcript NM_024312.5 (MANE Select); coding-DNA positions 1017 to 1020, 4 bases duplicated (TGCA; older notation c.1017_1020dupTGCA).
Protein change: p.Pro341fs; shifts the reading frame from proline 341.
Molecular consequence: frameshift variant.
Genome position (GRCh38, 1-based): chr12:101,770,499-101,770,502, TGCA duplicated on the plus strand (TGCA on the coding strand, the reverse complement: GNPTAB is on the minus strand); duplicating any 4 consecutive bases within chr12:101,770,499-101,770,505 gives the same sequence; the c. name uses the placement nearest the transcript's 3' end. VCF-style (leftmost placement, unchanged base first): chr12-101770498-G-GTGCA. GRCh37 (hg19) VCF-style: chr12-102164276-G-GTGCA.
Other names: c.1017_1020dupTGCA (NM_024312.4); short protein forms P341fs.
Identifiers: ClinVar variation 556992 (VCV000556992.11), dbSNP rs748809942, ClinGen allele CA6746732.

ClinVar aggregate classification (germline): Pathogenic. Review status: criteria provided, multiple submitters, no conflicts (2 of 4 stars). 4 submissions from 4 submitters: Pathogenic (3). 1 of the submissions does not count toward it. Last evaluated 2024-10-17.

Conditions:
Mucolipidosis type II. Also called: Mucolipidosis II Alpha/Beta; Mucolipidosis 2; ML 2; Inclusion cell disease; Leroy Disease; N-acetylglucosamine 1phosphotransferase deficiency. Identifiers: Orphanet 576, MedGen C2673377, MONDO:0009650, OMIM 252500.
Pseudo-Hurler polydystrophy. Also called: MUCOLIPIDOSIS IIIA; ML IIIA; Mucolipidosis III Alpha/Beta; Type III Mucolipidosis; ML III; ML III ALPHA/BETA. Identifiers: Orphanet 423461, Orphanet 577, MedGen C0033788, MONDO:0018931, OMIM 252600.

Submissions (4):

Natera, Inc.
Classification: Pathogenic for Mucolipidosis type II. Last evaluated: 2024-10-17. Review status: criteria provided, single submitter. Criteria: Natera Variant Classification Schema (03/2026). Collection method: clinical testing. Allele origin: germline.
Comment: The c.1017_1020dupTGCA variant in GNPTAB is a frameshift variant predicted to shift the reading frame beginning at codon 341 and leads to a stop codon 22 codons downstream. This variant is expected to result in nonsense mediated decay, truncation, or a dysfunctional protein product. This variant is rare in the general population with a frequency below the threshold expected for the associated phenotype(s). This variant has been observed in one or more individuals affected with the associated recessive disease, as either homozygous or compound heterozygous with a second variant (PMID: 25473036). Given the available evidence, this variant is classified as Pathogenic.

Labcorp Genetics (formerly Invitae), Labcorp
Classification: Pathogenic for Pseudo-Hurler polydystrophy; Mucolipidosis type II. Last evaluated: 2023-01-25. Review status: criteria provided, single submitter. Criteria: Invitae Variant Classification Sherloc (09022015). Collection method: clinical testing. Allele origin: germline.
Comment: This variant is present in population databases (rs748809942, gnomAD 0.0009%). This sequence change creates a premature translational stop signal (p.Pro341Cysfs*22) in the GNPTAB gene. It is expected to result in an absent or disrupted protein product. Loss-of-function variants in GNPTAB are known to be pathogenic (PMID: 19617216, 25107912). This premature translational stop signal has been observed in individual(s) with GNPTAB-related conditions (PMID: 25473036). For these reasons, this variant has been classified as Pathogenic. ClinVar contains an entry for this variant (Variation ID: 556992).

Fulgent Genetics
Classification: Pathogenic for Mucolipidosis type II; Pseudo-Hurler polydystrophy. Last evaluated: 2021-11-10. Review status: criteria provided, single submitter. Criteria: ACMG Guidelines, 2015. Collection method: clinical testing. Allele origin: unknown.

Counsyl
Classification: Likely pathogenic for Mucolipidosis type II; Pseudo-Hurler polydystrophy. Last evaluated: 2018-03-09. Review status: no assertion criteria provided. Collection method: clinical testing. Allele origin: unknown. Not counted in ClinVar's aggregate classification.

Literature cited by the submitters: PubMed 25473036 (cited by 3 submitters); PubMed 19617216 (cited by Labcorp Genetics (formerly Invitae), Labcorp); PubMed 25107912 (cited by Labcorp Genetics (formerly Invitae), Labcorp).